The following is an entry in ClinVar:

NM_014946.4(SPAST):c.*1410T>G

Gene: SPAST (spastin; plus strand). Cytogenetic location: 2p22.3.
Variant type: single nucleotide variant.
Coding change: c.*1410T>G on transcript NM_014946.4 (MANE Select); 1410 bases downstream of the stop codon, T replaced by G.
Molecular consequence: 3 prime UTR variant.
Genome position (GRCh38, 1-based): chr2:32,155,906, T>G. VCF-style: chr2-32155906-T-G. GRCh37 (hg19) VCF-style: chr2-32380975-T-G.
Other names: c.*1410T>G (NM_001363823.2, NM_001363875.2, NM_199436.2); c.*1534T>G (NM_001377959.1).
Identifiers: ClinVar variation 335859 (VCV000335859.5), dbSNP rs75645928, ClinGen allele CA10615122.

ClinVar aggregate classification (germline): Benign (1 of 4 stars; one submission).

Conditions:
Hereditary spastic paraplegia 4. Also called: Spastic paraplegia 4, autosomal dominant; Spastic Paraplegia 4; Familial spastic paraplegia autosomal dominant 2. Identifiers: Orphanet 100985, MedGen C1866855, MONDO:0008438, OMIM 182601.

Allele frequency attached by ClinVar (database versions not stated): gnomAD 0.00689 and 0.00737; 1000 Genomes Project 0.00759; TOPMed 0.00794; 1000 Genomes Project 30x 0.00843.

Submission:

Illumina Laboratory Services, Illumina
Classification: Benign for Hereditary spastic paraplegia 4. Last evaluated: 2018-01-13. Review status: criteria provided, single submitter. Criteria: ICSL Variant Classification Criteria 13 December 2019. Collection method: clinical testing. Allele origin: germline.
Comment: This variant was observed in the ICSL laboratory as part of a predisposition screen in an ostensibly healthy population. It had not been previously curated by ICSL or reported in the Human Gene Mutation Database (HGMD: prior to June 1st, 2018), and was therefore a candidate for classification through an automated scoring system. Utilizing variant allele frequency, disease prevalence and penetrance estimates, and inheritance mode, an automated score was calculated to assess if this variant is too frequent to cause the disease. Based on the score and internal cut-off values, a variant classified as benign is not then subjected to further curation. The score for this variant resulted in a classification of benign for this disease.